The following is an entry in ClinVar:

ClinVar aggregate classification (germline): Uncertain significance. Review status: criteria provided, multiple submitters, no conflicts (2 of 4 stars). 2 submissions from 2 submitters: Uncertain significance (2). Last evaluated 2025-08-25.

Conditions:
Inborn genetic diseases. Identifiers: MedGen C0950123, MeSH D030342.

Allele frequency attached by ClinVar (database versions not stated): gnomAD exomes below 0.00001; TOPMed below 0.00001; gnomAD 0.00001.
gnomAD v4.1: 3 of 1,613,754 alleles (0.00019%); highest among the groups gnomAD compares: Admixed American, 0.005%; no homozygotes.

Submissions (2):

Ambry Genetics
Classification: Uncertain significance for Inborn genetic diseases. Last evaluated: 2025-08-25. Review status: criteria provided, single submitter. Criteria: Ambry Variant Classification Scheme 2023. Collection method: clinical testing. Allele origin: germline.

Labcorp Genetics (formerly Invitae), Labcorp
Classification: Uncertain significance. Last evaluated: 2021-09-24. Review status: criteria provided, single submitter. Criteria: Invitae Variant Classification Sherloc (09022015). Collection method: clinical testing. Allele origin: germline.
Comment: This sequence change replaces isoleucine with valine at codon 518 of the CNGB3 protein (p.Ile518Val). The isoleucine residue is highly conserved and there is a small physicochemical difference between isoleucine and valine. This variant is not present in population databases (ExAC no frequency). This variant has not been reported in the literature in individuals with CNGB3-related conditions. Advanced modeling of protein sequence and biophysical properties (such as structural, functional, and spatial information, amino acid conservation, physicochemical variation, residue mobility, and thermodynamic stability) performed at Invitae indicates that this missense variant is not expected to disrupt CNGB3 protein function. In summary, the available evidence is currently insufficient to determine the role of this variant in disease. Therefore, it has been classified as a Variant of Uncertain Significance.

NM_019098.5(CNGB3):c.1552A>G (p.Ile518Val)

Gene: CNGB3 (cyclic nucleotide gated channel subunit beta 3; minus strand). Cytogenetic location: 8q21.3.
Variant type: single nucleotide variant.
Coding change: c.1552A>G on transcript NM_019098.5 (MANE Select); coding-DNA position 1552, A replaced by G.
Protein change: p.Ile518Val; replaces isoleucine 518 with valine.
Molecular consequence: missense variant.
Genome position (GRCh38, 1-based): chr8:86,626,009, T>C on the plus strand (A>G on the coding strand, the complement: CNGB3 is on the minus strand). VCF-style: chr8-86626009-T-C. GRCh37 (hg19) VCF-style: chr8-87638237-T-C.
Other names: c.1552A>G (NM_019098.4); short protein forms I518V.
Identifiers: ClinVar variation 1346463 (VCV001346463.6), dbSNP rs901549827, ClinGen allele CA180336528.